The following is an entry in ClinVar:

NM_024678.6(NARS2):c.608T>G (p.Leu203Arg)

Gene: NARS2 (asparaginyl-tRNA synthetase 2, mitochondrial; minus strand). Cytogenetic location: 11q14.1.
Variant type: single nucleotide variant.
Coding change: c.608T>G on transcript NM_024678.6 (MANE Select); coding-DNA position 608, T replaced by G.
Protein change: p.Leu203Arg; replaces leucine 203 with arginine.
Molecular consequence: missense variant. On other transcripts: 5 prime UTR variant (5), non-coding transcript variant (4), intron variant (2).
Genome position (GRCh38, 1-based): chr11:78,528,923, A>C on the plus strand (T>G on the coding strand, the complement: NARS2 is on the minus strand). VCF-style: chr11-78528923-A-C. GRCh37 (hg19) VCF-style: chr11-78239969-A-C.
Other names: c.-74T>G (NM_001243251.2, NM_001425310.1, NM_001425312.1 and 2 more transcripts); c.608T>G, p.Leu203Arg (NM_001425299.1, NM_001425300.1, NM_001425301.1 and 4 more transcripts); c.527T>G, p.Leu176Arg (NM_001425302.1, NM_001425303.1); c.377T>G, p.Leu126Arg (NM_001425308.1); c.594+30616T>G (NM_001425307.1); c.38+30616T>G (NM_001425311.1); short protein forms L126R, L176R, L203R.
Identifiers: ClinVar variation 4076838 (VCV004076838.2).

ClinVar aggregate classification (germline): Uncertain significance. Review status: criteria provided, multiple submitters, no conflicts (2 of 4 stars). 2 submissions from 2 submitters: Uncertain significance (2). Last evaluated 2025-11-13.

Conditions:
Inborn genetic diseases. Identifiers: MedGen C0950123, MeSH D030342.

gnomAD v4.1: 11 of 1,611,134 alleles (0.00068%); highest among the groups gnomAD compares: African/African-American, 0.012%; no homozygotes.

Submissions (2):

Ambry Genetics
Classification: Uncertain significance for Inborn genetic diseases. Last evaluated: 2025-11-13. Review status: criteria provided, single submitter. Criteria: Ambry Variant Classification Scheme 2023. Collection method: clinical testing. Allele origin: germline.

GeneDx
Classification: Uncertain significance. Last evaluated: 2025-02-24. Review status: criteria provided, single submitter. Criteria: GeneDx Variant Classification Process June 2021. Collection method: clinical testing. Allele origin: germline. Affected: yes.
Comment: In silico analysis indicates that this missense variant does not alter protein structure/function; Has not been previously published as pathogenic or benign to our knowledge